The following is an entry in ClinVar:

NM_012330.4(KAT6B):c.622-52809T>A

Gene: KAT6B (lysine acetyltransferase 6B; plus strand). Cytogenetic location: 10q22.2.
Variant type: single nucleotide variant.
Coding change: c.622-52809T>A on transcript NM_012330.4 (MANE Select); 52809 bases into the intron before coding-DNA position 622, T replaced by A.
Molecular consequence: intron variant.
Genome position (GRCh38, 1-based): chr10:74,907,161, T>A. VCF-style: chr10-74907161-T-A. GRCh37 (hg19) VCF-style: chr10-76666919-T-A.
Other names: c.622-52809T>A (NM_001370139.1, NM_001370136.1, NM_001370138.1 and 10 more transcripts); c.84-52809T>A (NM_001370134.1, NM_001370135.1).
Identifiers: ClinVar variation 2640601 (VCV002640601.24), dbSNP rs531360204, ClinGen allele CA209915392.

ClinVar aggregate classification (germline): Benign (1 of 4 stars; one submission).

Allele frequency attached by ClinVar (database versions not stated): TOPMed 0.00056; gnomAD 0.00064.
gnomAD v4.1: 96 of 152,344 alleles (0.063%); highest among the groups gnomAD compares: Non-Finnish European, 0.12%; no homozygotes.

Submission:

CeGaT Center for Human Genetics Tuebingen
Classification: Benign. Last evaluated: 2022-08-01. Review status: criteria provided, single submitter. Criteria: CeGaT Center For Human Genetics Tuebingen Variant Classification Criteria Version 2. Collection method: clinical testing. Allele origin: germline. Affected: yes. Observed: 1 variant allele.
Comment: KAT6B: BS1, BS2